The following is an entry in ClinVar:

ClinVar aggregate classification (germline): Likely pathogenic. Review status: criteria provided, multiple submitters, no conflicts (2 of 4 stars). 3 submissions from 3 submitters: Likely pathogenic (2). 1 of the submissions does not count toward it. Last evaluated 2023-05-10.

Conditions:
Deficiency of acetyl-CoA acetyltransferase. Also called: 3-KETOTHIOLASE DEFICIENCY; 3-OXOTHIOLASE DEFICIENCY; Beta-ketothiolase deficiency; MITOCHONDRIAL ACETOACETYL-CoA THIOLASE DEFICIENCY. Identifiers: Orphanet 134, MedGen C1536500, MONDO:0008760, OMIM 203750. Disease mechanism: loss of function.

Allele frequency attached by ClinVar (database versions not stated): TOPMed below 0.00001; gnomAD 0.00001.
gnomAD v4.1: 1 of 1,613,864 alleles (0.000062%); highest among the groups gnomAD compares: Non-Finnish European, 0.000085%; no homozygotes.

Submissions (3):

Labcorp Genetics (formerly Invitae), Labcorp
Classification: Likely pathogenic for Deficiency of acetyl-CoA acetyltransferase. Last evaluated: 2023-05-10. Review status: criteria provided, single submitter. Criteria: Invitae Variant Classification Sherloc (09022015). Collection method: clinical testing. Allele origin: germline.
Comment: This sequence change replaces glycine, which is neutral and non-polar, with valine, which is neutral and non-polar, at codon 379 of the ACAT1 protein (p.Gly379Val). In summary, the currently available evidence indicates that the variant is pathogenic, but additional data are needed to prove that conclusively. Therefore, this variant has been classified as Likely Pathogenic. Experimental studies have shown that this missense change affects ACAT1 function (PMID: 7749408). Advanced modeling of protein sequence and biophysical properties (such as structural, functional, and spatial information, amino acid conservation, physicochemical variation, residue mobility, and thermodynamic stability) performed at Invitae indicates that this missense variant is expected to disrupt ACAT1 protein function. ClinVar contains an entry for this variant (Variation ID: 2839). This missense change has been observed in individual(s) with beta-ketothiolase deficiency (PMID: 7907600). In at least one individual the data is consistent with being in trans (on the opposite chromosome) from a pathogenic variant. This variant is not present in population databases (gnomAD no frequency).

Department of Pediatrics, Gifu University
Classification: Likely pathogenic for Deficiency of acetyl-CoA acetyltransferase. Last evaluated: 2019-05-05. Review status: criteria provided, single submitter. Criteria: ACMG Guidelines, 2015. Collection method: research. Allele origin: germline. Affected: yes. Observed: 1 variant allele.

OMIM
Classification: Pathogenic for 3-KETOTHIOLASE DEFICIENCY. Last evaluated: 1994-03-01. Review status: no assertion criteria provided. Collection method: literature only. Allele origin: germline. Not counted in ClinVar's aggregate classification.

Literature cited by the submitters: PubMed 7749408 (cited by Labcorp Genetics (formerly Invitae), Labcorp); PubMed 7907600 (cited by 3 submitters); PubMed 31268215 (cited by Department of Pediatrics, Gifu University); PubMed 1373235 (cited by OMIM).

NM_000019.4(ACAT1):c.1136G>T (p.Gly379Val)

Gene: ACAT1 (acetyl-CoA acetyltransferase 1; plus strand). Cytogenetic location: 11q22.3.
Variant type: single nucleotide variant.
Coding change: c.1136G>T on transcript NM_000019.4 (MANE Select); coding-DNA position 1136, G replaced by T.
Protein change: p.Gly379Val; replaces glycine 379 with valine.
Molecular consequence: missense variant.
Genome position (GRCh38, 1-based): chr11:108,146,332, G>T. VCF-style: chr11-108146332-G-T. GRCh37 (hg19) VCF-style: chr11-108017059-G-T.
Other names: c.1136G>T, p.Gly379Val (LRG_1400t1); short protein forms G379V.
Identifiers: ClinVar variation 2839 (VCV000002839.10), dbSNP rs120074143, ClinGen allele CA252465.